The following is an entry in ClinVar:

ClinVar aggregate classification (germline): Pathogenic (1 of 4 stars; one submission).

Submission:

Labcorp Genetics (formerly Invitae), Labcorp
Classification: Pathogenic. Last evaluated: 2021-10-14. Review status: criteria provided, single submitter. Criteria: Invitae Variant Classification Sherloc (09022015). Collection method: clinical testing. Allele origin: germline.
Comment: This sequence change creates a premature translational stop signal (p.Ser215Phefs*3) in the PHEX gene. It is expected to result in an absent or disrupted protein product. Loss-of-function variants in PHEX are known to be pathogenic (PMID: 9097956, 9106524, 19219621). This variant is not present in population databases (ExAC no frequency). This variant has not been reported in the literature in individuals affected with PHEX-related conditions. For these reasons, this variant has been classified as Pathogenic.

Literature cited by the submitters: PubMed 9097956; PubMed 9106524; PubMed 19219621.

NM_000444.6(PHEX):c.643dup (p.Ser215fs)

Gene: PHEX (phosphate regulating endopeptidase X-linked; plus strand). Cytogenetic location: Xp22.11.
Variant type: Duplication.
Coding change: c.643dup on transcript NM_000444.6 (MANE Select); coding-DNA position 643, one base duplicated (T; older notation c.643dupT).
Protein change: p.Ser215fs; shifts the reading frame from serine 215.
Molecular consequence: frameshift variant.
Genome position (GRCh38, 1-based): chrX:22,077,682, T duplicated. VCF-style (leftmost placement, unchanged base first): chrX-22077681-A-AT. GRCh37 (hg19) VCF-style: chrX-22095799-A-AT.
Other names: c.643dup, p.Ser215fs (NM_001282754.2); short protein forms S215fs.
Identifiers: ClinVar variation 1440357 (VCV001440357.6), dbSNP rs2147020850, ClinGen allele CA2573158522.
Genomic context (GRCh38, chrX:22,077,681, plus strand): 5'-TCGTGGTCAATACAGCAATTCTGTGTTCATCCGTTTGTATGTGTCCCCTGATGACAAAGC[A>AT]TCCAATGAACATATCTTGAAGGTATAATGAGGACCCATTCATCTTCTTTGCTCAGTCCTA-3'